The following is an entry in ClinVar:

NM_004006.3(DMD):c.9563+1215A>G

Gene: DMD (dystrophin; minus strand). Cytogenetic location: Xp21.2.
Variant type: single nucleotide variant.
Coding change: c.9563+1215A>G on transcript NM_004006.3 (MANE Select); 1215 bases into the intron after coding-DNA position 9563, A replaced by G.
Molecular consequence: intron variant.
Genome position (GRCh38, 1-based): chrX:31,208,283, T>C on the plus strand (A>G on the coding strand, the complement: DMD is on the minus strand). VCF-style: chrX-31208283-T-C. GRCh37 (hg19) VCF-style: chrX-31226400-T-C.
Other names: c.9539+1215A>G (NM_000109.4); c.5540+1215A>G (NM_004011.4); c.5531+1215A>G (NM_004012.4); c.2183+1215A>G (NM_004023.3, NM_004020.4, NM_004022.3 and 2 more transcripts); c.1376+1215A>G (NM_004014.3); c.359+1215A>G (NM_004018.3, NM_004017.3, NM_004016.3 and 2 more transcripts); c.9551+1215A>G (NM_004009.3); c.9194+1215A>G (NM_004010.3).
Identifiers: ClinVar variation 2138505 (VCV002138505.11), dbSNP rs2521364194, ClinGen allele CA2580100571.

ClinVar aggregate classification (germline): Pathogenic/Likely pathogenic. Review status: criteria provided, multiple submitters, no conflicts (2 of 4 stars). 3 submissions from 3 submitters: Pathogenic (2); Likely pathogenic (1). Last evaluated 2024-03-19.

Conditions:
Duchenne muscular dystrophy (DMD). Also called: MUSCULAR DYSTROPHY, PSEUDOHYPERTROPHIC PROGRESSIVE, DUCHENNE TYPE; Duchenne Muscular Dystrophy (DMD). Identifiers: Orphanet 98896, MedGen C0013264, MONDO:0010679, OMIM 310200.

Submissions (3):

Labcorp Genetics (formerly Invitae), Labcorp
Classification: Pathogenic for Duchenne muscular dystrophy. Last evaluated: 2024-03-19. Review status: criteria provided, single submitter. Criteria: Invitae Variant Classification Sherloc (09022015). Collection method: clinical testing. Allele origin: germline.
Comment: This sequence change falls in intron 65 of the DMD gene. It does not directly change the encoded amino acid sequence of the DMD protein. RNA analysis indicates that this variant induces altered splicing and may result in an absent or disrupted protein product. The frequency data for this variant in the population databases is considered unreliable, as metrics indicate insufficient coverage at this position in the gnomAD database. This variant has been observed in individual(s) with Duchenne muscular dystrophy (PMID: 17041906, 19040728; Invitae). ClinVar contains an entry for this variant (Variation ID: 2138505). Studies have shown that this variant results in activation of a cryptic splice site and introduces a premature termination codon (PMID: 17041906, 19040728). The resulting mRNA is expected to undergo nonsense-mediated decay. For these reasons, this variant has been classified as Pathogenic.

Laboratory of Medical Genetics, National & Kapodistrian University of Athens
Classification: Pathogenic for Duchenne muscular dystrophy. Last evaluated: 2023-01-20. Review status: criteria provided, single submitter. Criteria: ACMG Guidelines, 2015. Collection method: clinical testing. Allele origin: germline. Inheritance: X-linked inheritance. Affected: yes.

Juno Genomics, Hangzhou Juno Genomics, Inc
Classification: Likely pathogenic for Duchenne muscular dystrophy. Review status: criteria provided, single submitter. Criteria: ACMG Guidelines, 2015. Collection method: clinical testing. Allele origin: germline. Affected: yes.
Comment: Absent from controls (or at extremely low frequency if recessive) in Genome Aggregation Database, Exome Sequencing Project, 1000 Genomes Project, or Exome Aggregation Consortium.;The prevalence of the variant in affected individuals is significantly increased compared to the prevalence in controls.;Patient's phenotype or family history is highly specific for a disease with a single genetic etiology.;Assumed de novo, but without confirmation of paternity and maternity.;Well-established in vitro or in vivo functional studies supportive of a damaging effect on the gene or gene product.

Literature cited by the submitters: PubMed 17041906 (cited by Labcorp Genetics (formerly Invitae), Labcorp); PubMed 19040728 (cited by Labcorp Genetics (formerly Invitae), Labcorp); PubMed 32176650 (cited by Laboratory of Medical Genetics, National & Kapodistrian University of Athens).